The following is an entry in ClinVar:

ClinVar aggregate classification (germline): Uncertain significance (1 of 4 stars; one submission).

Allele frequency attached by ClinVar (database versions not stated): gnomAD exomes below 0.00001 and 0.00002; ExAC 0.00001.
gnomAD v4.1: 29 of 1,609,992 alleles (0.0018%); highest among the groups gnomAD compares: Non-Finnish European, 0.0025%; no homozygotes.

Submission:

GeneDx
Classification: Uncertain significance. Last evaluated: 2014-10-09. Review status: criteria provided, single submitter. Criteria: GeneDx Variant Classification (06012015). Collection method: clinical testing. Allele origin: germline. Affected: yes.
Comment: Missense variants in the TTN gene are considered 'unclassified' if they are not previously reported in the literature and do not have >1% frequency in the population to be considered a polymorphism. Research indicates that truncating mutations in the TTN gene are expected to account for approximately 25% of familial and 18% of sporadic idiopathic DCM; however, truncating variants in the TTN gene have been reported in approximately 3% of reported control alleles. There has been little investigation into non-truncating variants. (Herman D et al. Truncations of titin causing dilated cardiomyopathy. N Eng J Med 366:619-628, 2012) The variant is found in CARDIOMYOPATHY panel(s).

NM_001267550.2(TTN):c.99278C>G (p.Thr33093Ser)

Genes: TTN-AS1 (TTN antisense RNA 1; plus strand), TTN (titin; minus strand). Cytogenetic location: 2q31.2.
Variant type: single nucleotide variant.
Coding change: c.99278C>G on transcript NM_001267550.2 (MANE Select); coding-DNA position 99278, C replaced by G.
Protein change: p.Thr33093Ser; replaces threonine 33093 with serine.
Molecular consequence: missense variant.
Genome position (GRCh38, 1-based): chr2:178,538,551, G>C on the plus strand (C>G on the coding strand, the complement: TTN is on the minus strand). VCF-style: chr2-178538551-G-C. GRCh37 (hg19) VCF-style: chr2-179403278-G-C.
Other names: p.T31452S:ACT>AGT; c.94355C>G, p.Thr31452Ser (NM_001256850.1); c.72083C>G, p.Thr24028Ser (NM_003319.4); c.91574C>G, p.Thr30525Ser (NM_133378.4); c.72458C>G, p.Thr24153Ser (NM_133432.3); c.72659C>G, p.Thr24220Ser (NM_133437.4); short protein forms T31452S, T33093S, T24028S, T30525S, T24153S, T24220S.
Identifiers: ClinVar variation 203046 (VCV000203046.2), dbSNP rs777386197, ClinGen allele CA311076.